The following is an entry in ClinVar:

ClinVar aggregate classification (germline): Likely benign (1 of 4 stars; one submission).

gnomAD v4.1: 187 of 1,610,480 alleles (0.012%); highest among the groups gnomAD compares: Admixed American, 0.017%; no homozygotes.

Submission:

CeGaT Center for Human Genetics Tuebingen
Classification: Likely benign. Last evaluated: 2025-01-01. Review status: criteria provided, single submitter. Criteria: CeGaT Center For Human Genetics Tuebingen Variant Classification Criteria Version 2. Collection method: clinical testing. Allele origin: germline. Affected: yes. Observed: 1 variant allele.
Comment: ATP11A: BP4

NM_015205.3(ATP11A):c.2225C>G (p.Thr742Ser)

Gene: ATP11A (ATPase phospholipid transporting 11A; plus strand). Cytogenetic location: 13q34.
Variant type: single nucleotide variant.
Coding change: c.2225C>G on transcript NM_015205.3 (MANE Select); coding-DNA position 2225, C replaced by G.
Protein change: p.Thr742Ser; replaces threonine 742 with serine.
Molecular consequence: missense variant.
Genome position (GRCh38, 1-based): chr13:112,854,512, C>G. VCF-style: chr13-112854512-C-G. GRCh37 (hg19) VCF-style: chr13-113508826-C-G.
Other names: c.2225C>G, p.Thr742Ser (NM_001405661.1, NM_001405662.1, NM_001405663.1 and 1 more transcripts); short protein forms T742S.
Identifiers: ClinVar variation 3770867 (VCV003770867.13).